The following is an entry in ClinVar:

ClinVar aggregate classification (germline): Uncertain significance (1 of 4 stars; one submission).

Conditions:
Hereditary cancer-predisposing syndrome. Also called: Hereditary neoplastic syndrome; Neoplastic Syndromes, Hereditary; Tumor predisposition; Hereditary Cancer Syndrome. Identifiers: Orphanet 140162, MedGen C0027672, MeSH D009386, MONDO:0015356.

gnomAD v4.1: 1 of 1,614,116 alleles (0.000062%); highest among the groups gnomAD compares: Non-Finnish European, 0.000085%; no homozygotes.

Submission:

Ambry Genetics
Classification: Uncertain significance for Hereditary cancer-predisposing syndrome. Last evaluated: 2025-02-02. Review status: criteria provided, single submitter. Criteria: Ambry Variant Classification Scheme 2023. Collection method: clinical testing. Allele origin: germline.
Comment: The p.N398K variant (also known as c.1194C>A), located in coding exon 5 of the ALK gene, results from a C to A substitution at nucleotide position 1194. The asparagine at codon 398 is replaced by lysine, an amino acid with similar properties. This amino acid position is conserved. In addition, this alteration is predicted to be tolerated by in silico analysis. Based on the available evidence, the clinical significance of this variant remains unclear.

NM_004304.5(ALK):c.1194C>A (p.Asn398Lys)

Gene: ALK (ALK receptor tyrosine kinase; minus strand). Cytogenetic location: 2p23.2.
Variant type: single nucleotide variant.
Coding change: c.1194C>A on transcript NM_004304.5 (MANE Select); coding-DNA position 1194, C replaced by A.
Protein change: p.Asn398Lys; replaces asparagine 398 with lysine.
Molecular consequence: missense variant.
Genome position (GRCh38, 1-based): chr2:29,383,820, G>T on the plus strand (C>A on the coding strand, the complement: ALK is on the minus strand). VCF-style: chr2-29383820-G-T. GRCh37 (hg19) VCF-style: chr2-29606686-G-T.
Other names: short protein forms N398K.
Identifiers: ClinVar variation 3855584 (VCV003855584.1).